The following is an entry in ClinVar:

NM_000426.4(LAMA2):c.4850A>G (p.Gln1617Arg)

Gene: LAMA2 (laminin subunit alpha 2; plus strand). Cytogenetic location: 6q22.33.
Variant type: single nucleotide variant.
Coding change: c.4850A>G on transcript NM_000426.4 (MANE Select); coding-DNA position 4850, A replaced by G.
Protein change: p.Gln1617Arg; replaces glutamine 1617 with arginine.
Molecular consequence: missense variant.
Genome position (GRCh38, 1-based): chr6:129,366,351, A>G. VCF-style: chr6-129366351-A-G. GRCh37 (hg19) VCF-style: chr6-129687496-A-G.
Other names: c.4850A>G, p.Gln1617Arg (NM_001079823.2); short protein forms Q1617R.
Identifiers: ClinVar variation 651136 (VCV000651136.10), dbSNP rs890490995, ClinGen allele CA146918597.

ClinVar aggregate classification (germline): Uncertain significance. Review status: criteria provided, multiple submitters, no conflicts (2 of 4 stars). 2 submissions from 2 submitters: Uncertain significance (2). Last evaluated 2025-10-02.

Conditions:
LAMA2-related muscular dystrophy (LAMA2-RD). Also called: Laminin alpha 2-related dystrophy. Identifiers: MedGen C5679788, MONDO:0100228.

Allele frequency attached by ClinVar (database versions not stated): gnomAD exomes below 0.00001; gnomAD 0.00001; TOPMed 0.00002.
gnomAD v4.1: 4 of 1,613,510 alleles (0.00025%); highest among the groups gnomAD compares: Non-Finnish European, 0.00034%; no homozygotes.

Submissions (2):

Labcorp Genetics (formerly Invitae), Labcorp
Classification: Uncertain significance for LAMA2-related muscular dystrophy. Last evaluated: 2025-10-02. Review status: criteria provided, single submitter. Criteria: Invitae Variant Classification Sherloc (09022015). Collection method: clinical testing. Allele origin: germline.
Comment: This sequence change replaces glutamine, which is neutral and polar, with arginine, which is basic and polar, at codon 1617 of the LAMA2 protein (p.Gln1617Arg). This variant is present in population databases (no rsID available, gnomAD 0.0009%). This variant has not been reported in the literature in individuals affected with LAMA2-related conditions. ClinVar contains an entry for this variant (Variation ID: 651136). Invitae Evidence Modeling of protein sequence and biophysical properties (such as structural, functional, and spatial information, amino acid conservation, physicochemical variation, residue mobility, and thermodynamic stability) indicates that this missense variant is not expected to disrupt LAMA2 protein function with a negative predictive value of 95%. In summary, the available evidence is currently insufficient to determine the role of this variant in disease. Therefore, it has been classified as a Variant of Uncertain Significance.

Women's Health and Genetics/Laboratory Corporation of America, LabCorp
Classification: Uncertain significance. Last evaluated: 2023-10-16. Review status: criteria provided, single submitter. Criteria: LabCorp Variant Classification Summary - May 2015. Collection method: clinical testing. Allele origin: germline.
Comment: Variant summary: LAMA2 c.4850A>G (p.Gln1617Arg) results in a conservative amino acid change located in the Laminin alpha, domain I (IPR009254) of the encoded protein sequence. Three of four in-silico tools predict a benign effect of the variant on protein function. The variant allele was found at a frequency of 4e-06 in 250694 control chromosomes. The available data on variant occurrences in the general population are insufficient to allow any conclusion about variant significance. To our knowledge, no occurrence of c.4850A>G in individuals affected with Laminin Alpha 2-Related Dystrophy and no experimental evidence demonstrating its impact on protein function have been reported. One submitter has cited clinical-significance assessments for this variant to ClinVar after 2014 and has classified the variant as uncertain significance. Based on the evidence outlined above, the variant was classified as uncertain significance.